The following is an entry in ClinVar:

NM_000132.4(F8):c.1871A>T (p.Asp624Val)

Gene: F8 (coagulation factor VIII; minus strand). Cytogenetic location: Xq28.
Variant type: single nucleotide variant.
Coding change: c.1871A>T on transcript NM_000132.4 (MANE Select); coding-DNA position 1871, A replaced by T.
Protein change: p.Asp624Val; replaces aspartic acid 624 with valine.
Molecular consequence: missense variant.
Genome position (GRCh38, 1-based): chrX:154,953,924, T>A on the plus strand (A>T on the coding strand, the complement: F8 is on the minus strand). VCF-style: chrX-154953924-T-A. GRCh37 (hg19) VCF-style: chrX-154182199-T-A.
Other names: short protein forms D624V.
Identifiers: ClinVar variation 3907418 (VCV003907418.1).

ClinVar aggregate classification (germline): Uncertain significance (1 of 4 stars; one submission).

gnomAD v4.1: 1 of 1,211,990 alleles (0.000083%); highest among the groups gnomAD compares: Non-Finnish European, 0.00011%; no homozygotes.

Submission:

Women's Health and Genetics/Laboratory Corporation of America, LabCorp
Classification: Uncertain significance. Last evaluated: 2025-06-03. Review status: criteria provided, single submitter. Criteria: LabCorp Variant Classification Summary - May 2015. Collection method: clinical testing. Allele origin: germline.
Comment: Variant summary: F8 c.1871A>T (p.Asp624Val) results in a non-conservative amino acid change in the encoded protein sequence. Algorithms developed to predict the effect of missense changes on protein structure and function all suggest that this variant is likely to be disruptive. The variant allele was found at a frequency of 5.5e-06 in 183398 control chromosomes (gnomAD). The available data on variant occurrences in the general population are insufficient to allow any conclusion about variant significance. c.1871A>T has been observed in an individual affected with Factor VIII Deficiency (Hemophilia A)(Chen_2010). These data do not allow any conclusion about variant significance. To our knowledge, no experimental evidence demonstrating an impact on protein function has been reported. The following publication has been ascertained in the context of this evaluation (PMID: 20236351). No submitters have cited clinical-significance assessments for this variant to ClinVar. Based on the evidence outlined above, the variant was classified as uncertain significance.

Literature cited by the submitters: PubMed 20236351.